The following is an entry in ClinVar:

ClinVar aggregate classification (germline): Uncertain significance. Review status: criteria provided, multiple submitters, no conflicts (2 of 4 stars). 4 submissions from 4 submitters: Uncertain significance (4). Last evaluated 2023-08-25.

Allele frequency attached by ClinVar (database versions not stated): gnomAD 0.00002; gnomAD exomes 0.00002.

Submissions (4):

Ambry Genetics
Classification: Uncertain significance. Last evaluated: 2023-08-25. Review status: criteria provided, single submitter. Criteria: Ambry Variant Classification Scheme 2023. Collection method: clinical testing. Allele origin: germline.
Comment: The c.120_121insT variant, located in coding exon 2 of the RECQL gene, results from an insertion of one nucleotide at position 120, causing a translational frameshift with a predicted alternate stop codon (p.V41Cfs*14). This alteration is expected to result in premature protein truncation or nonsense-mediated mRNA decay. The evidence for this gene-disease relationship is limited; therefore, the clinical significance of this alteration is unclear.

GeneDx
Classification: Uncertain significance. Last evaluated: 2023-06-05. Review status: criteria provided, single submitter. Criteria: GeneDx Variant Classification Process June 2021. Collection method: clinical testing. Allele origin: germline. Affected: yes.
Comment: Not observed at significant frequency in large population cohorts (gnomAD); Frameshift variant predicted to result in protein truncation or nonsense mediated decay in a gene or region of a gene for which loss of function is not an established mechanism of disease; Has not been previously published as pathogenic or benign to our knowledge; Variants in candidate genes are classified as variants of uncertain significance in accordance with ACMG guidelines (Richards et al., 2015); This variant is associated with the following publications: (PMID: 28724667)

Blueprint Genetics
Classification: Uncertain significance. Last evaluated: 2023-05-24. Review status: criteria provided, single submitter. Criteria: ACMG Guidelines, 2015. Collection method: clinical testing. Allele origin: germline.

Labcorp Genetics (formerly Invitae), Labcorp
Classification: Uncertain significance. Last evaluated: 2021-10-23. Review status: criteria provided, single submitter. Criteria: Invitae Variant Classification Sherloc (09022015). Collection method: clinical testing. Allele origin: germline.
Comment: In summary, the available evidence is currently insufficient to determine the role of this variant in disease. Therefore, it has been classified as a Variant of Uncertain Significance. This premature translational stop signal has been observed in individual(s) with breast cancer (PMID: 28724667). This variant is present in population databases (no rsID available, gnomAD 0.02%). This sequence change creates a premature translational stop signal (p.Val41Cysfs*14) in the RECQL gene. It is expected to result in an absent or disrupted protein product. However, the current clinical and genetic evidence is not sufficient to establish whether loss-of-function variants in RECQL cause disease.

Literature cited by the submitters: PubMed 28724667 (cited by Labcorp Genetics (formerly Invitae), Labcorp).

NM_002907.4(RECQL):c.120_121insT (p.Val41fs)

Gene: RECQL (RecQ like helicase; minus strand). Cytogenetic location: 12p12.1.
Variant type: Insertion.
Coding change: c.120_121insT on transcript NM_002907.4 (MANE Select); coding-DNA positions 120 to 121, T inserted.
Protein change: p.Val41fs; shifts the reading frame from valine 41.
Molecular consequence: frameshift variant.
Genome position: GRCh38 VCF-style: chr12-21491612-C-CA. GRCh37 (hg19) VCF-style: chr12-21644546-C-CA.
Other names: c.120_121insT, p.Val41fs (NM_032941.3); short protein forms V41fs.
Identifiers: ClinVar variation 1490271 (VCV001490271.12), dbSNP rs771968849, ClinGen allele CA603967702.
Genomic context (GRCh38, chr12:21,491,612, plus strand): 5'-ATTCATTGCTTGCCCCGGCATCAGAATCCTCTAAACACTGCTTTATTTTCTTTGTCAGGA[C>CA]TTTTTTTTTCTGAATAAGCTCTTGTTGCCTTTCCGTAAGTTCTTGAATTTGAATTTCTAC-3'